The following is an entry in ClinVar:

NM_000535.7(PMS2):c.538-3C>T

Gene: PMS2 (PMS1 homolog 2, mismatch repair system component; minus strand). Cytogenetic location: 7p22.1.
Variant type: single nucleotide variant.
Coding change: c.538-3C>T on transcript NM_000535.7 (MANE Select); 3 bases into the intron before coding-DNA position 538, C replaced by T.
Molecular consequence: intron variant.
Genome position (GRCh38, 1-based): chr7:5,999,278, G>A on the plus strand (C>T on the coding strand, the complement: PMS2 is on the minus strand). VCF-style: chr7-5999278-G-A. GRCh37 (hg19) VCF-style: chr7-6038909-G-A.
Other names: c.220-3C>T (NM_001322008.2, NM_001406902.1, NM_001406883.1 and 4 more transcripts); c.229-3C>T (NM_001406881.1, NM_001406879.1, NM_001322015.2 and 6 more transcripts); c.133-3C>T (NM_001406895.1, NM_001322010.2, NM_001322004.2 and 21 more transcripts); c.132+3175C>T (NM_001406911.1); c.133-1855C>T (NM_001322013.2, NM_001406909.1); c.-347-52C>T (NM_001322012.2, NM_001322011.2); c.251-52C>T (NM_001406885.1); c.537+3175C>T (NM_001406886.1); and 4 more.
Identifiers: ClinVar variation 3662988 (VCV003662988.3).
Genomic context (GRCh38, chr7:5,999,278, plus strand): 5'-GGATGCCTGCTGAAATGATACAGTATGCATGTAAGACCTGGACCATTTTGGCATACTCCT[G>A]TTTAAAAAACACAAACACAATATTCTACATTACTTTAATATTATAGGAATTACACAGCTC-3'

ClinVar aggregate classification (germline): Uncertain significance. Review status: criteria provided, multiple submitters, no conflicts (2 of 4 stars). 2 submissions from 2 submitters: Uncertain significance (2). Last evaluated 2024-12-25.

Conditions:
Hereditary nonpolyposis colorectal neoplasms. Identifiers: MedGen C0009405, MeSH D003123.

gnomAD v4.1: 1 of 1,612,566 alleles (0.000062%); highest among the groups gnomAD compares: Non-Finnish European, 0.000085%; no homozygotes.

Submissions (2):

Quest Diagnostics Nichols Institute San Juan Capistrano
Classification: Uncertain significance. Last evaluated: 2024-12-25. Review status: criteria provided, single submitter. Criteria: Quest Diagnostics criteria. Collection method: clinical testing. Allele origin: unknown.
Comment: The PMS2 c.538-3C>T variant has not been reported in individuals with PMS2-related conditions in the published literature. It also has not been reported in large, multi-ethnic general populations (Genome Aggregation Database). Analysis of this variant using software algorithms for the prediction of the effect of nucleotide changes on splicing yielded predictions that this variant does not affect PMS2 mRNA splicing. Based on the available information, we are unable to determine the clinical significance of this variant.

Labcorp Genetics (formerly Invitae), Labcorp
Classification: Uncertain significance for Hereditary nonpolyposis colorectal neoplasms. Last evaluated: 2024-08-31. Review status: criteria provided, single submitter. Criteria: Invitae Variant Classification Sherloc (09022015). Collection method: clinical testing. Allele origin: germline.
Comment: This sequence change falls in intron 5 of the PMS2 gene. It does not directly change the encoded amino acid sequence of the PMS2 protein. It affects a nucleotide within the consensus splice site. This variant is not present in population databases (gnomAD no frequency). This variant has not been reported in the literature in individuals affected with PMS2-related conditions. Variants that disrupt the consensus splice site are a relatively common cause of aberrant splicing (PMID: 17576681, 9536098). Algorithms developed to predict the effect of sequence changes on RNA splicing suggest that this variant may disrupt the consensus splice site. In summary, the available evidence is currently insufficient to determine the role of this variant in disease. Therefore, it has been classified as a Variant of Uncertain Significance.

Literature cited by the submitters: PubMed 17576681 (cited by Labcorp Genetics (formerly Invitae), Labcorp); PubMed 9536098 (cited by Labcorp Genetics (formerly Invitae), Labcorp).